The following is an entry in ClinVar:

ClinVar aggregate classification (germline): Uncertain significance. Review status: criteria provided, multiple submitters, no conflicts (2 of 4 stars). 3 submissions from 3 submitters: Uncertain significance (3). Last evaluated 2025-08-25.

Conditions:
HMCN1-related disorder. Also called: HMCN1-related condition.

Allele frequency attached by ClinVar (database versions not stated): ExAC 0.00003; TOPMed 0.00004; gnomAD 0.00005; ESP Exome Variant Server 0.00008; gnomAD exomes 0.00009; 1000 Genomes Project 30x 0.00016; 1000 Genomes Project 0.00020.
gnomAD v4.1: 140 of 1,613,412 alleles (0.0087%); highest among the groups gnomAD compares: Non-Finnish European, 0.011%; no homozygotes.

Submissions (3):

PreventionGenetics, part of Exact Sciences
Classification: Uncertain significance for HMCN1-related condition. Last evaluated: 2025-08-25. Review status: criteria provided, single submitter. Criteria: ACMG Guidelines, 2015. Collection method: clinical testing. Allele origin: germline.
Comment: The HMCN1 c.11665G>A variant is predicted to result in the amino acid substitution p.Val3889Met. To our knowledge, this variant has not been reported in the literature. This variant is reported in 0.0062% of alleles in individuals of European (Non-Finnish) descent in gnomAD. At this time, the clinical significance of this variant is uncertain due to the absence of conclusive functional and genetic evidence.

Ambry Genetics
Classification: Uncertain significance. Last evaluated: 2025-08-20. Review status: criteria provided, single submitter. Criteria: Ambry Variant Classification Scheme 2023. Collection method: clinical testing. Allele origin: germline.

Labcorp Genetics (formerly Invitae), Labcorp
Classification: Uncertain significance. Last evaluated: 2024-12-23. Review status: criteria provided, single submitter. Criteria: Invitae Variant Classification Sherloc (09022015). Collection method: clinical testing. Allele origin: germline.
Comment: This sequence change replaces valine, which is neutral and non-polar, with methionine, which is neutral and non-polar, at codon 3889 of the HMCN1 protein (p.Val3889Met). This variant is present in population databases (rs184361328, gnomAD 0.008%). This variant has not been reported in the literature in individuals affected with HMCN1-related conditions. ClinVar contains an entry for this variant (Variation ID: 2511634). An algorithm developed to predict the effect of missense changes on protein structure and function outputs the following: PolyPhen-2: "Possibly Damaging". The methionine amino acid residue is found in multiple mammalian species, which suggests that this missense change does not adversely affect protein function. In summary, the available evidence is currently insufficient to determine the role of this variant in disease. Therefore, it has been classified as a Variant of Uncertain Significance.

NM_031935.3(HMCN1):c.11665G>A (p.Val3889Met)

Gene: HMCN1 (hemicentin 1; plus strand). Cytogenetic location: 1q31.1.
Variant type: single nucleotide variant.
Coding change: c.11665G>A on transcript NM_031935.3 (MANE Select); coding-DNA position 11665, G replaced by A.
Protein change: p.Val3889Met; replaces valine 3889 with methionine.
Molecular consequence: missense variant.
Genome position (GRCh38, 1-based): chr1:186,117,097, G>A. VCF-style: chr1-186117097-G-A. GRCh37 (hg19) VCF-style: chr1-186086229-G-A.
Other names: short protein forms V3889M.
Identifiers: ClinVar variation 2511634 (VCV002511634.7), dbSNP rs184361328, ClinGen allele CA1294106.